The following is an entry in ClinVar:

NM_004655.4(AXIN2):c.1676C>G (p.Ser559Cys)

Gene: AXIN2 (axin 2; minus strand). Cytogenetic location: 17q24.1.
Variant type: single nucleotide variant.
Coding change: c.1676C>G on transcript NM_004655.4 (MANE Select); coding-DNA position 1676, C replaced by G.
Protein change: p.Ser559Cys; replaces serine 559 with cysteine.
Molecular consequence: missense variant.
Genome position (GRCh38, 1-based): chr17:65,537,360, G>C on the plus strand (C>G on the coding strand, the complement: AXIN2 is on the minus strand). VCF-style: chr17-65537360-G-C. GRCh37 (hg19) VCF-style: chr17-63533478-G-C.
Other names: c.1676C>G, p.Ser559Cys (NM_001363813.1); c.1676C>G (LRG_296t1); short protein forms S559C.
Identifiers: ClinVar variation 408762 (VCV000408762.17), dbSNP rs1060502126, ClinGen allele CA16615869.

ClinVar aggregate classification (germline): Uncertain significance. Review status: criteria provided, multiple submitters, no conflicts (2 of 4 stars). 4 submissions from 4 submitters: Uncertain significance (4). Last evaluated 2026-01-20.

Conditions:
Oligodontia-cancer predisposition syndrome. Also called: TOOTH AGENESIS-COLORECTAL CANCER SYNDROME. Identifiers: Orphanet 300576, MedGen C1837750, MONDO:0012075, OMIM 608615. Disease mechanism: loss of function.
Colorectal cancer. Also called: Colorectal cancer, somatic; Malignant Colorectal Neoplasm. Identifiers: MedGen C0346629, MONDO:0005575, OMIM 114500.
Hereditary cancer-predisposing syndrome. Also called: Hereditary neoplastic syndrome; Tumor predisposition; Hereditary Cancer Syndrome; Neoplastic Syndromes, Hereditary. Identifiers: Orphanet 140162, MedGen C0027672, MeSH D009386, MONDO:0015356.

Allele frequency attached by ClinVar (database versions not stated): gnomAD exomes below 0.00001; TOPMed below 0.00001.
gnomAD v4.1: 3 of 1,614,172 alleles (0.00019%); highest among the groups gnomAD compares: East Asian, 0.0022%; no homozygotes.

Submissions (4):

Labcorp Genetics (formerly Invitae), Labcorp
Classification: Uncertain significance for Oligodontia-cancer predisposition syndrome. Last evaluated: 2026-01-20. Review status: criteria provided, single submitter. Criteria: Invitae Variant Classification Sherloc (09022015). Collection method: clinical testing. Allele origin: germline.
Comment: This sequence change replaces serine, which is neutral and polar, with cysteine, which is neutral and slightly polar, at codon 559 of the AXIN2 protein (p.Ser559Cys). This variant is present in population databases (no rsID available, gnomAD 0.006%). This variant has not been reported in the literature in individuals affected with AXIN2-related conditions. ClinVar contains an entry for this variant (Variation ID: 408762). Invitae Evidence Modeling of protein sequence and biophysical properties (such as structural, functional, and spatial information, amino acid conservation, physicochemical variation, residue mobility, and thermodynamic stability) indicates that this missense variant is not expected to disrupt AXIN2 protein function with a negative predictive value of 80%. In summary, the available evidence is currently insufficient to determine the role of this variant in disease. Therefore, it has been classified as a Variant of Uncertain Significance.

GeneDx
Classification: Uncertain significance. Last evaluated: 2025-03-14. Review status: criteria provided, single submitter. Criteria: GeneDx Variant Classification Process June 2021. Collection method: clinical testing. Allele origin: germline.
Comment: Not observed at significant frequency in large population cohorts (gnomAD); In silico analysis indicates that this missense variant does not alter protein structure/function; Has not been previously published as pathogenic or benign to our knowledge

Ambry Genetics
Classification: Uncertain significance for Hereditary cancer-predisposing syndrome. Last evaluated: 2024-05-13. Review status: criteria provided, single submitter. Criteria: Ambry Variant Classification Scheme 2023. Collection method: clinical testing. Allele origin: germline.
Comment: The p.S559C variant (also known as c.1676C>G), located in coding exon 5 of the AXIN2 gene, results from a C to G substitution at nucleotide position 1676. The serine at codon 559 is replaced by cysteine, an amino acid with dissimilar properties. This amino acid position is conserved. In addition, this alteration is predicted to be tolerated by in silico analysis. Since supporting evidence is limited at this time, the clinical significance of this alteration remains unclear.

Baylor Genetics
Classification: Uncertain significance for Colorectal cancer. Last evaluated: 2024-03-21. Review status: criteria provided, single submitter. Criteria: ACMG Guidelines, 2015. Collection method: clinical testing. Allele origin: unknown.